The following is an entry in ClinVar:

NM_001082486.2(ACD):c.706A>T (p.Ile236Phe)

Gene: ACD (ACD shelterin complex subunit and telomerase recruitment factor; minus strand). Cytogenetic location: 16q22.1.
Variant type: single nucleotide variant.
Coding change: c.706A>T on transcript NM_001082486.2 (MANE Select); coding-DNA position 706, A replaced by T.
Protein change: p.Ile236Phe; replaces isoleucine 236 with phenylalanine.
Molecular consequence: missense variant.
Genome position (GRCh38, 1-based): chr16:67,658,756, T>A on the plus strand (A>T on the coding strand, the complement: ACD is on the minus strand). VCF-style: chr16-67658756-T-A. GRCh37 (hg19) VCF-style: chr16-67692659-T-A.
Other names: c.697A>T, p.Ile233Phe (NM_022914.3); short protein forms I233F, I236F.
Identifiers: ClinVar variation 1378295 (VCV001378295.15), dbSNP rs757807430, ClinGen allele CA8114563.

ClinVar aggregate classification (germline): Uncertain significance. Review status: criteria provided, multiple submitters, no conflicts (2 of 4 stars). 2 submissions from 2 submitters: Uncertain significance (2). Last evaluated 2026-01-12.

Conditions:
Dyskeratosis congenita, autosomal dominant 6 (DKCA6). Identifiers: Orphanet 3322, MedGen C4225284, MONDO:0014690, OMIM 616553.

Allele frequency attached by ClinVar (database versions not stated): gnomAD exomes below 0.00001 and 0.00002; ExAC 0.00001; TOPMed 0.00001.
gnomAD v4.1: 24 of 1,613,478 alleles (0.0015%); highest among the groups gnomAD compares: Middle Eastern, 0.017%; no homozygotes.

Submissions (2):

Labcorp Genetics (formerly Invitae), Labcorp
Classification: Uncertain significance for Dyskeratosis congenita, autosomal dominant 6. Last evaluated: 2026-01-12. Review status: criteria provided, single submitter. Criteria: Invitae Variant Classification Sherloc (09022015). Collection method: clinical testing. Allele origin: germline.
Comment: This sequence change replaces isoleucine, which is neutral and non-polar, with phenylalanine, which is neutral and non-polar, at codon 322 of the ACD protein (p.Ile322Phe). This variant is present in population databases (rs757807430, gnomAD 0.003%). This missense change has been observed in individual(s) with melanoma (PMID: 25505254). ClinVar contains an entry for this variant (Variation ID: 1378295). Invitae Evidence Modeling of protein sequence and biophysical properties (such as structural, functional, and spatial information, amino acid conservation, physicochemical variation, residue mobility, and thermodynamic stability) indicates that this missense variant is expected to disrupt ACD protein function with a positive predictive value of 80%. In summary, the available evidence is currently insufficient to determine the role of this variant in disease. Therefore, it has been classified as a Variant of Uncertain Significance.

Center for Genomic Medicine, Rigshospitalet, Copenhagen University Hospital
Classification: Uncertain significance. Last evaluated: 2025-03-04. Review status: criteria provided, single submitter. Criteria: ACMG Guidelines, 2015. Collection method: clinical testing. Allele origin: germline.

Literature cited by the submitters: PubMed 25505254 (cited by Labcorp Genetics (formerly Invitae), Labcorp).